The following is an entry in ClinVar:

ClinVar aggregate classification (germline): Benign/Likely benign. Review status: criteria provided, multiple submitters, no conflicts (2 of 4 stars). 2 submissions from 2 submitters: Benign (1); Likely benign (1). Last evaluated 2025-01-13.

Conditions:
Familial cancer of breast. Also called: BREAST CANCER, FAMILIAL; Hereditary breast cancer; hereditary breast carcinoma. Identifiers: Orphanet 227535, MedGen C0346153, MONDO:0016419, OMIM 114480. Disease mechanism: loss of function.
Hereditary cancer-predisposing syndrome. Also called: Neoplastic Syndromes, Hereditary; Tumor predisposition; Hereditary Cancer Syndrome; Hereditary neoplastic syndrome. Identifiers: Orphanet 140162, MedGen C0027672, MeSH D009386, MONDO:0015356.

Submissions (2):

Myriad Genetics, Inc.
Classification: Benign for Familial cancer of breast. Last evaluated: 2025-01-13. Review status: criteria provided, single submitter. Criteria: Myriad Autosomal Dominant, Autosomal Recessive and X-Linked Classification Criteria (2023). Collection method: clinical testing. Allele origin: unknown.
Comment: This variant is considered benign. This variant is a silent/synonymous amino acid change and it is not expected to impact splicing.

Ambry Genetics
Classification: Likely benign for Hereditary cancer-predisposing syndrome. Last evaluated: 2016-06-18. Review status: criteria provided, single submitter. Criteria: Ambry Variant Classification Scheme 2023. Collection method: clinical testing. Allele origin: germline.

NM_024675.4(PALB2):c.1494C>T (p.Asp498=)

Gene: PALB2 (partner and localizer of BRCA2; minus strand). Cytogenetic location: 16p12.2.
Variant type: single nucleotide variant.
Coding change: c.1494C>T on transcript NM_024675.4 (MANE Select); coding-DNA position 1494, C replaced by T.
Protein change: p.Asp498=; no amino-acid change (aspartic acid 498 retained).
Molecular consequence: synonymous variant.
Genome position (GRCh38, 1-based): chr16:23,635,052, G>A on the plus strand (C>T on the coding strand, the complement: PALB2 is on the minus strand). VCF-style: chr16-23635052-G-A. GRCh37 (hg19) VCF-style: chr16-23646373-G-A.
Identifiers: ClinVar variation 484189 (VCV000484189.6), dbSNP rs1555461250, ClinGen allele CA494461348.